The following is an entry in ClinVar:

NM_006642.5(SDCCAG8):c.153T>G (p.Ser51=)

Gene: SDCCAG8 (SHH signaling and ciliogenesis regulator SDCCAG8; plus strand). Cytogenetic location: 1q43.
Variant type: single nucleotide variant.
Coding change: c.153T>G on transcript NM_006642.5 (MANE Select); coding-DNA position 153, T replaced by G.
Protein change: p.Ser51=; no amino-acid change (serine 51 retained).
Molecular consequence: synonymous variant. On other transcripts: 5 prime UTR variant (4).
Genome position (GRCh38, 1-based): chr1:243,270,190, T>G. VCF-style: chr1-243270190-T-G. GRCh37 (hg19) VCF-style: chr1-243433492-T-G.
Other names: c.-960T>G (NM_001350246.2); c.-848T>G (NM_001350247.2); c.153T>G, p.Ser51= (NM_001350248.2); c.-142T>G (NM_001350249.2); c.-1221T>G (NM_001350251.2).
Identifiers: ClinVar variation 4990863 (VCV004990863.1).

ClinVar aggregate classification (germline): Likely benign (1 of 4 stars; one submission).

Conditions:
SDCCAG8-related disorder. Also called: SDCCAG8-Related Disorders; SDCCAG8-related condition.

Submission:

PreventionGenetics, part of Exact Sciences
Classification: Likely benign for SDCCAG8-related condition. Last evaluated: 2026-05-21. Review status: criteria provided, single submitter. Criteria: ACMG Guidelines, 2015. Collection method: clinical testing. Allele origin: germline.
Comment: This variant is classified as likely benign based on ACMG/AMP sequence variant interpretation guidelines (Richards et al. 2015 PMID: 25741868, with internal and published modifications).